The following is an entry in ClinVar:

ClinVar aggregate classification (germline): Uncertain significance. Review status: criteria provided, multiple submitters, no conflicts (2 of 4 stars). 2 submissions from 2 submitters: Uncertain significance (2). Last evaluated 2026-01-24.

Conditions:
Hereditary cancer-predisposing syndrome. Also called: Tumor predisposition; Hereditary neoplastic syndrome; Hereditary Cancer Syndrome; Neoplastic Syndromes, Hereditary. Identifiers: Orphanet 140162, MedGen C0027672, MeSH D009386, MONDO:0015356.
Familial adenomatous polyposis 1 (FAP1). Also called: FAMILIAL ADENOMATOUS POLYPOSIS 1, ATTENUATED; POLYPOSIS, ADENOMATOUS INTESTINAL. Identifiers: MedGen C2713442, MONDO:0021056, OMIM 175100. Disease mechanism: loss of function.

Submissions (2):

Ambry Genetics
Classification: Uncertain significance for Hereditary cancer-predisposing syndrome. Last evaluated: 2026-01-24. Review status: criteria provided, single submitter. Criteria: Ambry Variant Classification Scheme 2023. Collection method: clinical testing. Allele origin: germline.
Comment: The p.Q625K variant (also known as c.1873C>A), located in coding exon 14 of the APC gene, results from a C to A substitution at nucleotide position 1873. The glutamine at codon 625 is replaced by lysine, an amino acid with similar properties. This amino acid position is conserved. In addition, in silico predictors for this gene do not accurately predict pathogenicity. Based on the available evidence, the clinical significance of this variant remains unclear.

Labcorp Genetics (formerly Invitae), Labcorp
Classification: Uncertain significance for Familial adenomatous polyposis 1. Last evaluated: 2021-10-21. Review status: criteria provided, single submitter. Criteria: Invitae Variant Classification Sherloc (09022015). Collection method: clinical testing. Allele origin: germline.
Comment: This sequence change replaces glutamine with lysine at codon 625 of the APC protein (p.Gln625Lys). The glutamine residue is highly conserved and there is a small physicochemical difference between glutamine and lysine. This variant is not present in population databases (ExAC no frequency). This variant has not been reported in the literature in individuals affected with APC-related conditions. Algorithms developed to predict the effect of missense changes on protein structure and function (SIFT, PolyPhen-2, Align-GVGD) all suggest that this variant is likely to be tolerated. In summary, the available evidence is currently insufficient to determine the role of this variant in disease. Therefore, it has been classified as a Variant of Uncertain Significance.

NM_000038.6(APC):c.1873C>A (p.Gln625Lys)

Gene: APC (APC regulator of Wnt signaling pathway; plus strand). Cytogenetic location: 5q22.2.
Variant type: single nucleotide variant.
Coding change: c.1873C>A on transcript NM_000038.6 (MANE Select); coding-DNA position 1873, C replaced by A.
Protein change: p.Gln625Lys; replaces glutamine 625 with lysine.
Molecular consequence: missense variant.
Genome position (GRCh38, 1-based): chr5:112,835,080, C>A. VCF-style: chr5-112835080-C-A. GRCh37 (hg19) VCF-style: chr5-112170777-C-A.
Other names: c.1873C>A, p.Gln625Lys (NM_001127510.3, NM_001354895.2); c.1819C>A, p.Gln607Lys (NM_001127511.3); c.1927C>A, p.Gln643Lys (NM_001354896.2); c.1903C>A, p.Gln635Lys (NM_001354897.2); c.1798C>A, p.Gln600Lys (NM_001354898.2); c.1789C>A, p.Gln597Lys (NM_001354899.2); c.1750C>A, p.Gln584Lys (NM_001354900.2); c.1696C>A, p.Gln566Lys (NM_001354901.2); and 5 more; short protein forms Q342K, Q465K, Q643K, Q524K, Q566K, Q534K, Q625K, Q499K.
Identifiers: ClinVar variation 947452 (VCV000947452.10), dbSNP rs876659517, ClinGen allele CA16025415.